The following is an entry in ClinVar:

ClinVar aggregate classification (germline): Uncertain significance (1 of 4 stars; one submission).

Allele frequency attached by ClinVar (database versions not stated): gnomAD exomes 0.00001.
gnomAD v4.1: 9 of 1,614,170 alleles (0.00056%); highest among the groups gnomAD compares: Non-Finnish European, 0.00076%; no homozygotes.

Submission:

Laboratory for Molecular Medicine, Mass General Brigham Personalized Medicine
Classification: Uncertain significance. Last evaluated: 2017-07-11. Review status: criteria provided, single submitter. Criteria: LMM Criteria. Collection method: clinical testing. Allele origin: germline. Observed: 1 variant allele.
Comment: The p.Leu317Arg variant in ILDR1 has not been previously reported in individuals with hearing loss or in large population studies. Computational prediction tool s and conservation analysis suggest that the p.Leu317Arg variant may impact the protein, though this information is not predictive enough to determine pathogeni city. In summary, the clinical significance of the p.Leu317Arg variant is uncert ain.

NM_001199799.2(ILDR1):c.950T>G (p.Leu317Arg)

Gene: ILDR1 (immunoglobulin like domain containing receptor 1; minus strand). Cytogenetic location: 3q13.33.
Variant type: single nucleotide variant.
Coding change: c.950T>G on transcript NM_001199799.2 (MANE Select); coding-DNA position 950, T replaced by G.
Protein change: p.Leu317Arg; replaces leucine 317 with arginine.
Molecular consequence: missense variant.
Genome position (GRCh38, 1-based): chr3:121,993,799, A>C on the plus strand (T>G on the coding strand, the complement: ILDR1 is on the minus strand). VCF-style: chr3-121993799-A-C. GRCh37 (hg19) VCF-style: chr3-121712646-A-C.
Other names: c.683T>G, p.Leu228Arg (NM_001199800.2); c.818T>G, p.Leu273Arg (NM_175924.4); short protein forms L317R, L273R, L228R.
Identifiers: ClinVar variation 517457 (VCV000517457.4), dbSNP rs1553743398, ClinGen allele CA354144213.